The following is an entry in ClinVar:

NM_001349253.2(SCN11A):c.1020G>A (p.Thr340=)

Gene: SCN11A (sodium voltage-gated channel alpha subunit 11; minus strand). Cytogenetic location: 3p22.2.
Variant type: single nucleotide variant.
Coding change: c.1020G>A on transcript NM_001349253.2 (MANE Select); coding-DNA position 1020, G replaced by A.
Protein change: p.Thr340=; no amino-acid change (threonine 340 retained).
Molecular consequence: synonymous variant.
Genome position (GRCh38, 1-based): chr3:38,910,147, C>T on the plus strand (G>A on the coding strand, the complement: SCN11A is on the minus strand). VCF-style: chr3-38910147-C-T. GRCh37 (hg19) VCF-style: chr3-38951638-C-T.
Other names: c.1020G>A, p.Thr340= (NM_014139.3).
Identifiers: ClinVar variation 2146550 (VCV002146550.4), dbSNP rs267599814, ClinGen allele CA2322421.

ClinVar aggregate classification (germline): Uncertain significance (1 of 4 stars; one submission).

Conditions:
Hereditary sensory and autonomic neuropathy type 7. Also called: HSAN VII; Neuropathy, hereditary sensory and autonomic, type VII. Identifiers: Orphanet 391397, MedGen C3809882, MONDO:0014244, OMIM 615548.
Familial episodic pain syndrome with predominantly lower limb involvement. Also called: Episodic pain syndrome, familial, 3. Identifiers: Orphanet 391384, Orphanet 391392, MedGen C3809899, MONDO:0014247, OMIM 615552.

Allele frequency attached by ClinVar (database versions not stated): TOPMed below 0.00001; ExAC 0.00001.
gnomAD v4.1: 11 of 1,613,638 alleles (0.00068%); highest among the groups gnomAD compares: Admixed American, 0.0083%; no homozygotes.

Submission:

Labcorp Genetics (formerly Invitae), Labcorp
Classification: Uncertain significance for Familial episodic pain syndrome with predominantly lower limb involvement; Hereditary sensory and autonomic neuropathy type 7. Last evaluated: 2022-05-05. Review status: criteria provided, single submitter. Criteria: Invitae Variant Classification Sherloc (09022015). Collection method: clinical testing. Allele origin: germline.
Comment: This variant has not been reported in the literature in individuals affected with SCN11A-related conditions. In summary, the available evidence is currently insufficient to determine the role of this variant in disease. Therefore, it has been classified as a Variant of Uncertain Significance. Algorithms developed to predict the effect of sequence changes on RNA splicing suggest that this variant may disrupt the consensus splice site. This variant is present in population databases (rs267599814, gnomAD 0.01%). This sequence change affects codon 340 of the SCN11A mRNA. It is a 'silent' change, meaning that it does not change the encoded amino acid sequence of the SCN11A protein.